The following is an entry in ClinVar:

ClinVar aggregate classification (germline): Benign. Review status: criteria provided, multiple submitters, no conflicts (2 of 4 stars). 2 submissions from 2 submitters: Benign (2). Last evaluated 2018-01-13.

Conditions:
Isolated focal non-epidermolytic palmoplantar keratoderma. Also called: Palmoplantar keratoderma, nonepidermolytic, focal 2. Identifiers: Orphanet 448264, MedGen C4225339, MONDO:0014622, OMIM 616400.

Allele frequency attached by ClinVar (database versions not stated): 1000 Genomes Project 30x 0.25999; 1000 Genomes Project 0.26797; gnomAD 0.27479 and 0.26919; gnomAD exomes 0.32692; TOPMed 0.26703.

Submissions (2):

Illumina Laboratory Services, Illumina
Classification: Benign for Isolated focal non-epidermolytic palmoplantar keratoderma. Last evaluated: 2018-01-13. Review status: criteria provided, single submitter. Criteria: ICSL Variant Classification Criteria 13 December 2019. Collection method: clinical testing. Allele origin: germline.
Comment: This variant was observed in the ICSL laboratory as part of a predisposition screen in an ostensibly healthy population. It had not been previously curated by ICSL or reported in the Human Gene Mutation Database (HGMD: prior to June 1st, 2018), and was therefore a candidate for classification through an automated scoring system. Utilizing variant allele frequency, disease prevalence and penetrance estimates, and inheritance mode, an automated score was calculated to assess if this variant is too frequent to cause the disease. Based on the score and internal cut-off values, a variant classified as benign is not then subjected to further curation. The score for this variant resulted in a classification of benign for this disease.

Breakthrough Genomics
Classification: Benign. Review status: criteria provided, single submitter. Criteria: ACMG Guidelines, 2015. Collection method: not provided. Allele origin: germline. Inheritance: Autosomal dominant inheritance. Affected: yes.

NM_145068.3(TRPV3):c.-190G>A

Gene: TRPV3 (transient receptor potential cation channel subfamily V member 3; minus strand). Cytogenetic location: 17p13.2.
Variant type: single nucleotide variant.
Coding change: c.-190G>A on transcript NM_145068.3; 190 bases upstream of the start codon, G replaced by A.
Genome position (GRCh38, 1-based): chr17:3,557,863, C>T on the plus strand (G>A on the coding strand, the complement: TRPV3 is on the minus strand). VCF-style: chr17-3557863-C-T. GRCh37 (hg19) VCF-style: chr17-3461157-C-T.
Identifiers: ClinVar variation 322806 (VCV000322806.8), dbSNP rs322959, ClinGen allele CA10639453.
Genomic context (GRCh38, chr17:3,557,863, plus strand): 5'-GGAATGAGGCGTCAGAGGCAGAACTGGCTGAGCCACCTGCCCTCGGCGCCAGGCAGGCCA[C>T]GCCCACCAGCCACAGCTGCAGCACCCGCCCACCCACGTGGCCCGTGTGAGTCACCCCCAC-3'